The following is an entry in ClinVar:

NM_001130009.3(GEN1):c.1346A>T (p.Tyr449Phe)

Gene: GEN1 (GEN1 Holliday junction 5' flap endonuclease; plus strand). Cytogenetic location: 2p24.2.
Variant type: single nucleotide variant.
Coding change: c.1346A>T on transcript NM_001130009.3 (MANE Select); coding-DNA position 1346, A replaced by T.
Protein change: p.Tyr449Phe; replaces tyrosine 449 with phenylalanine.
Molecular consequence: missense variant.
Genome position (GRCh38, 1-based): chr2:17,780,059, A>T. VCF-style: chr2-17780059-A-T. GRCh37 (hg19) VCF-style: chr2-17961326-A-T.
Other names: c.1346A>T, p.Tyr449Phe (NM_182625.5); short protein forms Y449F.
Identifiers: ClinVar variation 4029153 (VCV004029153.1).

ClinVar aggregate classification (germline): Uncertain significance (1 of 4 stars; one submission).

Submission:

Ambry Genetics
Classification: Uncertain significance. Last evaluated: 2025-03-18. Review status: criteria provided, single submitter. Criteria: Ambry Variant Classification Scheme 2023. Collection method: clinical testing. Allele origin: germline.
Comment: The p.Y449F variant (also known as c.1346A>T), located in coding exon 12 of the GEN1 gene, results from an A to T substitution at nucleotide position 1346. The tyrosine at codon 449 is replaced by phenylalanine, an amino acid with highly similar properties. This amino acid position is conserved. In addition, this alteration is predicted to be tolerated by in silico analysis. Based on the available evidence, the clinical significance of this variant remains unclear.